The following is an entry in ClinVar:

NM_006031.6(PCNT):c.7683C>T (p.Arg2561=)

Gene: PCNT (pericentrin; plus strand). Cytogenetic location: 21q22.3.
Variant type: single nucleotide variant.
Coding change: c.7683C>T on transcript NM_006031.6 (MANE Select); coding-DNA position 7683, C replaced by T.
Protein change: p.Arg2561=; no amino-acid change (arginine 2561 retained).
Molecular consequence: synonymous variant.
Genome position (GRCh38, 1-based): chr21:46,428,583, C>T. VCF-style: chr21-46428583-C-T. GRCh37 (hg19) VCF-style: chr21-47848497-C-T.
Other names: c.7329C>T, p.Arg2443= (NM_001315529.2); c.7683C>T (NM_006031.5).
Identifiers: ClinVar variation 2993933 (VCV002993933.5), dbSNP rs749888652, ClinGen allele CA10080746.
Genomic context (GRCh38, chr21:46,428,583, plus strand): 5'-CTTGCGCACGGCGCTGACAAGCGCAGAGGCGCGCGGGAGCCAGCAGGAGCACCAGCTGCG[C>T]AGGCAGGGTGGGTGTCACTGTCTACACTGCCTGGGGCCCGGCCTCTGCACCTGCCCGCCC-3'
Protein context (NP_006022.3, residues 2551-2571): ARGSQQEHQL[Arg2561=]RQVELLAYKV

ClinVar aggregate classification (germline): Likely benign. Review status: criteria provided, single submitter (1 of 4 stars). 2 submissions from 2 submitters: Likely benign (1). 1 of the submissions does not count toward it. Last evaluated 2025-03-10.

Conditions:
PCNT-related disorder. Also called: PCNT-related condition.

Allele frequency attached by ClinVar (database versions not stated): gnomAD exomes 0.00002; ExAC 0.00004.
gnomAD v4.1: 30 of 1,597,348 alleles (0.0019%); highest among the groups gnomAD compares: Non-Finnish European, 0.0023%; no homozygotes.

Submissions (2):

Labcorp Genetics (formerly Invitae), Labcorp
Classification: Likely benign. Last evaluated: 2025-03-10. Review status: criteria provided, single submitter. Criteria: Invitae Variant Classification Sherloc (09022015). Collection method: clinical testing. Allele origin: germline.

PreventionGenetics, part of Exact Sciences
Classification: Likely benign for PCNT-related condition. Last evaluated: 2023-04-19. Review status: no assertion criteria provided. Collection method: clinical testing. Allele origin: germline. Not counted in ClinVar's aggregate classification.
Comment: This variant is classified as likely benign based on ACMG/AMP sequence variant interpretation guidelines (Richards et al. 2015 PMID: 25741868, with internal and published modifications).